The following is an entry in ClinVar:

NM_004006.3(DMD):c.4606G>T (p.Glu1536Ter)

Gene: DMD (dystrophin; minus strand). Cytogenetic location: Xp21.1.
Variant type: single nucleotide variant.
Coding change: c.4606G>T on transcript NM_004006.3 (MANE Select); coding-DNA position 4606, G replaced by T.
Protein change: p.Glu1536Ter; replaces glutamic acid 1536 with a stop codon.
Molecular consequence: nonsense.
Genome position (GRCh38, 1-based): chrX:32,386,378, C>A on the plus strand (G>T on the coding strand, the complement: DMD is on the minus strand). VCF-style: chrX-32386378-C-A. GRCh37 (hg19) VCF-style: chrX-32404495-C-A.
Other names: c.4582G>T, p.Glu1528Ter (NM_000109.4); c.4594G>T, p.Glu1532Ter (NM_004009.3); c.4237G>T, p.Glu1413Ter (NM_004010.3); c.583G>T, p.Glu195Ter (NM_004011.4); c.574G>T, p.Glu192Ter (NM_004012.4); short protein forms E1536*, E1413*, E1532*, E195*, E1528*, E192*.
Identifiers: ClinVar variation 217198 (VCV000217198.7), dbSNP rs863224998, ClinGen allele CA347530.

ClinVar aggregate classification (germline): Pathogenic. Review status: criteria provided, multiple submitters, no conflicts (2 of 4 stars). 2 submissions from 2 submitters: Pathogenic (2). Last evaluated 2016-12-21.

Conditions:
Duchenne muscular dystrophy (DMD). Also called: MUSCULAR DYSTROPHY, PSEUDOHYPERTROPHIC PROGRESSIVE, DUCHENNE TYPE; Duchenne Muscular Dystrophy (DMD). Identifiers: Orphanet 98896, MedGen C0013264, MONDO:0010679, OMIM 310200.

Submissions (2):

Eurofins Ntd Llc (ga)
Classification: Pathogenic. Last evaluated: 2016-12-21. Review status: criteria provided, single submitter. Criteria: EGL Classification Definitions 2015. Collection method: clinical testing. Allele origin: germline. Observed: 1 variant allele, 1 hemizygote.

Athena Diagnostics
Classification: Pathogenic for Duchenne muscular dystrophy. Last evaluated: 2013-05-16. Review status: criteria provided, single submitter. Criteria: Athena Diagnostics Criteria. Collection method: clinical testing. Allele origin: germline. Inheritance: X-linked recessive inheritance.
Comment: X-linked recessive inheritance

Literature cited by the submitters: PubMed 21515508 (cited by Athena Diagnostics).